The following is an entry in ClinVar:

NM_005591.4(MRE11):c.1801A>C (p.Thr601Pro)

Gene: MRE11 (MRE11 double strand break repair nuclease; minus strand). Cytogenetic location: 11q21.
Variant type: single nucleotide variant.
Coding change: c.1801A>C on transcript NM_005591.4 (MANE Select); coding-DNA position 1801, A replaced by C.
Protein change: p.Thr601Pro; replaces threonine 601 with proline.
Molecular consequence: missense variant. On other transcripts: intron variant (1).
Genome position (GRCh38, 1-based): chr11:94,445,876, T>G on the plus strand (A>C on the coding strand, the complement: MRE11 is on the minus strand). VCF-style: chr11-94445876-T-G. GRCh37 (hg19) VCF-style: chr11-94179042-T-G.
Other names: c.1798A>C, p.Thr600Pro (NM_001330347.2); c.1783+1343A>C (NM_005590.4); short protein forms T601P, T600P.
Identifiers: ClinVar variation 571373 (VCV000571373.14), dbSNP rs1565211523, ClinGen allele CA382366826.

ClinVar aggregate classification (germline): Uncertain significance. Review status: criteria provided, multiple submitters, no conflicts (2 of 4 stars). 2 submissions from 2 submitters: Uncertain significance (2). Last evaluated 2024-04-13.

Conditions:
Ataxia-telangiectasia-like disorder (ATLD). Identifiers: MedGen C1858391, MONDO:0011457.
Hereditary cancer-predisposing syndrome. Also called: Hereditary neoplastic syndrome; Tumor predisposition; Neoplastic Syndromes, Hereditary; Hereditary Cancer Syndrome. Identifiers: Orphanet 140162, MedGen C0027672, MeSH D009386, MONDO:0015356.

Submissions (2):

Ambry Genetics
Classification: Uncertain significance for Hereditary cancer-predisposing syndrome. Last evaluated: 2024-04-13. Review status: criteria provided, single submitter. Criteria: Ambry Variant Classification Scheme 2023. Collection method: clinical testing. Allele origin: germline.
Comment: The p.T601P variant (also known as c.1801A>C), located in coding exon 15 of the MRE11A gene, results from an A to C substitution at nucleotide position 1801. The threonine at codon 601 is replaced by proline, an amino acid with highly similar properties. This amino acid position is well conserved in available vertebrate species. In addition, this alteration is predicted to be tolerated by in silico analysis. Since supporting evidence is limited at this time, the clinical significance of this alteration remains unclear.

Labcorp Genetics (formerly Invitae), Labcorp
Classification: Uncertain significance for Ataxia-telangiectasia-like disorder. Last evaluated: 2018-06-13. Review status: criteria provided, single submitter. Criteria: Invitae Variant Classification Sherloc (09022015). Collection method: clinical testing. Allele origin: germline.
Comment: This sequence change replaces threonine with proline at codon 601 of the MRE11 protein (p.Thr601Pro). The threonine residue is weakly conserved and there is a small physicochemical difference between threonine and proline. This variant is not present in population databases (ExAC no frequency). This variant has not been reported in the literature in individuals with MRE11-related disease. Algorithms developed to predict the effect of missense changes on protein structure and function (SIFT, PolyPhen-2, Align-GVGD) all suggest that this variant is likely to be tolerated, but these predictions have not been confirmed by published functional studies and their clinical significance is uncertain. In summary, the available evidence is currently insufficient to determine the role of this variant in disease. Therefore, it has been classified as a Variant of Uncertain Significance.